The following is an entry in ClinVar:

ClinVar aggregate classification (germline): Uncertain significance (1 of 4 stars; one submission).

Conditions:
Familial hypobetalipoproteinemia 1. Also called: APOB-Related Familial Hypobetalipoproteinemia; Hypobetalipoproteinemia, normotriglyceridemic; Acanthocytosis with hypobetalipoproteinemia. Identifiers: MedGen C4551990, MONDO:0014252, OMIM 615558.
Hypercholesterolemia, autosomal dominant, type B (FHCL2). Also called: Familial Hypercholesterolemia Type B; APOLIPOPROTEIN B-100, FAMILIAL DEFECTIVE; APOLIPOPROTEIN B-100, FAMILIAL LIGAND-DEFECTIVE; HYPERCHOLESTEROLEMIA, FAMILIAL, DUE TO LIGAND-DEFECTIVE APOLIPOPROTEIN B; Hyperlipoproteinemia Type IIb; Familial hypercholesterolemia 2. Identifiers: MedGen C1704417, MONDO:0007751, OMIM 144010.

Submission:

Labcorp Genetics (formerly Invitae), Labcorp
Classification: Uncertain significance for Familial hypobetalipoproteinemia 1; Hypercholesterolemia, autosomal dominant, type B. Last evaluated: 2024-09-15. Review status: criteria provided, single submitter. Criteria: Invitae Variant Classification Sherloc (09022015). Collection method: clinical testing. Allele origin: germline.
Comment: This sequence change falls in intron 2 of the APOB gene. It does not directly change the encoded amino acid sequence of the APOB protein. It affects a nucleotide within the consensus splice site. This variant is not present in population databases (gnomAD no frequency). This variant has not been reported in the literature in individuals affected with APOB-related conditions. Variants that disrupt the consensus splice site are a relatively common cause of aberrant splicing (PMID: 17576681, 9536098). Algorithms developed to predict the effect of sequence changes on RNA splicing suggest that this variant is not likely to affect RNA splicing. In summary, the available evidence is currently insufficient to determine the role of this variant in disease. Therefore, it has been classified as a Variant of Uncertain Significance.

Literature cited by the submitters: PubMed 17576681; PubMed 9536098.

NM_000384.3(APOB):c.121+6G>C

Genes: APOB (apolipoprotein B; minus strand), LOC106560211 (APOB 5' regulatory region; plus strand). Cytogenetic location: 2p24.1.
Variant type: single nucleotide variant.
Coding change: c.121+6G>C on transcript NM_000384.3 (MANE Select); 6 bases into the intron after coding-DNA position 121, G replaced by C.
Molecular consequence: intron variant.
Genome position (GRCh38, 1-based): chr2:21,043,507, C>G on the plus strand (G>C on the coding strand, the complement: APOB is on the minus strand). VCF-style: chr2-21043507-C-G. GRCh37 (hg19) VCF-style: chr2-21266379-C-G.
Identifiers: ClinVar variation 3758842 (VCV003758842.2).